The following is an entry in ClinVar:

ClinVar aggregate classification (germline): Pathogenic (1 of 4 stars; one submission).

Conditions:
Early-infantile DEE. Also called: Ohtahara syndrome; Early infantile epileptic encephalopathy with suppression bursts; Early infantile epileptic encephalopathy. Identifiers: Orphanet 1934, MedGen C0393706, MONDO:0800491.

Submission:

Labcorp Genetics (formerly Invitae), Labcorp
Classification: Pathogenic for Early-infantile DEE. Last evaluated: 2022-08-24. Review status: criteria provided, single submitter. Criteria: Invitae Variant Classification Sherloc (09022015). Collection method: clinical testing. Allele origin: germline.
Comment: This sequence change creates a premature translational stop signal (p.Met350Tyrfs*7) in the SCN1A gene. It is expected to result in an absent or disrupted protein product. Loss-of-function variants in SCN1A are known to be pathogenic (PMID: 17347258, 18930999). For these reasons, this variant has been classified as Pathogenic. This variant has not been reported in the literature in individuals affected with SCN1A-related conditions. This variant is not present in population databases (gnomAD no frequency).

Literature cited by the submitters: PubMed 17347258; PubMed 18930999.

NM_001165963.4(SCN1A):c.1047dup (p.Met350fs)

Gene: SCN1A (sodium voltage-gated channel alpha subunit 1; minus strand). Cytogenetic location: 2q24.3.
Variant type: Duplication.
Coding change: c.1047dup on transcript NM_001165963.4 (MANE Select); coding-DNA position 1047, one base duplicated (T; older notation c.1047dupT).
Protein change: p.Met350fs; shifts the reading frame from methionine 350.
Molecular consequence: frameshift variant. On other transcripts: 5 prime UTR variant (1), non-coding transcript variant (1).
Genome position (GRCh38, 1-based): chr2:166,047,750, A duplicated on the plus strand (T on the coding strand, the reverse complement: SCN1A is on the minus strand). VCF-style (leftmost placement, unchanged base first): chr2-166047749-T-TA. GRCh37 (hg19) VCF-style: chr2-166904259-T-TA.
Other names: c.1047dup, p.Met350fs (NM_001202435.3, NM_001353948.2, NM_001353949.2 and 10 more transcripts); c.-1379dup (NM_001353961.2); short protein forms M350fs.
Identifiers: ClinVar variation 2026786 (VCV002026786.4), dbSNP rs2468190423, ClinGen allele CA2580064397.
Genomic context (GRCh38, chr2:166,047,749, plus strand): 5'-AACTGAAGGTATCAAAGCTTGTGTAGCCATAATTGGGATTTCTACCAGCTTTCACACACA[T>TA]ATATCCCTCTGGACATTGGCTGCAAGTGGGGTAAAAGAAAGTATTACAAGTCGTTCTGCT-3'